The following is an entry in ClinVar:

NM_001267550.2(TTN):c.32092C>T (p.Arg10698Ter)

Gene: TTN (titin; minus strand). Cytogenetic location: 2q31.2.
Variant type: single nucleotide variant.
Coding change: c.32092C>T on transcript NM_001267550.2 (MANE Select); coding-DNA position 32092, C replaced by T.
Protein change: p.Arg10698Ter; replaces arginine 10698 with a stop codon.
Molecular consequence: nonsense. On other transcripts: intron variant (3).
Genome position (GRCh38, 1-based): chr2:178,689,056, G>A on the plus strand (C>T on the coding strand, the complement: TTN is on the minus strand). VCF-style: chr2-178689056-G-A. GRCh37 (hg19) VCF-style: chr2-179553783-G-A.
Other names: c.31141C>T, p.Arg10381Ter (NM_001256850.1); c.28360C>T, p.Arg9454Ter (NM_133378.4); c.13283-46739C>T (NM_003319.4); c.13859-46739C>T (NM_133437.4); c.13658-46739C>T (NM_133432.3); short protein forms R9454*, R10698*, R10381*.
Identifiers: ClinVar variation 845436 (VCV000845436.13), dbSNP rs1396898734, ClinGen allele CA349553937.

ClinVar aggregate classification (germline): Conflicting classifications of pathogenicity. Review status: criteria provided, conflicting classifications (1 of 4 stars). 5 submissions from 5 submitters: Pathogenic (1); Likely pathogenic (2); Uncertain significance (1). 1 of the submissions does not count toward it. Last evaluated 2026-09-24.

Conditions:
Autosomal recessive limb-girdle muscular dystrophy type 2J (LGMDR10). Also called: Limb-girdle muscular dystrophy, type 2J; MUSCULAR DYSTROPHY, LIMB-GIRDLE, AUTOSOMAL RECESSIVE 10. Identifiers: Orphanet 140922, MedGen C1837342, MONDO:0012127, OMIM 608807.
Dilated cardiomyopathy 1G (CMD1G). Identifiers: Orphanet 154, MedGen C1858763, MONDO:0011400, OMIM 604145.
Autosomal recessive titinopathy. Identifiers: MedGen CN315649, MONDO:0100493.
TTN-related disorder. Also called: TTN-related condition; TTN-related disease; TTN-related disorders.

Allele frequency attached by ClinVar (database versions not stated): gnomAD exomes below 0.00001; gnomAD 0.00001.
gnomAD v4.1: 4 of 1,606,240 alleles (0.00025%); highest among the groups gnomAD compares: African/African-American, 0.0027%; no homozygotes.

Submissions (5):

PreventionGenetics, part of Exact Sciences
Classification: Likely pathogenic for TTN-related condition. Last evaluated: 2026-09-24. Review status: criteria provided, single submitter. Criteria: ACMG Guidelines, 2015. Collection method: clinical testing. Allele origin: germline.
Comment: The TTN c.32092C>T variant is predicted to result in premature protein termination (p.Arg10698*). This variant has been reported in the compound heterozygous state with a missense variant in an individual with congenital myopathy (Di Feo et al. 2026. PubMed ID: 41749372). This variant has also been reported in a cohort of individuals with a personal and/or family history of cardiomyopathies, although detailed clinical information was not available (Table S3, Massier et al. 2025. PubMed ID: 39844436). This variant is reported in 0.031% of alleles in individuals of European (Finnish) descent in gnomAD. This variant is located in the I-band region of the TTN protein. RNAseq studies from heart tissue indicate this exon is not commonly included in TTN mRNA transcripts (PSI of 15%, Roberts et al. 2015. PubMed ID: 25589632). TTN loss-of-function variants occurring in non-constitutively expressed exons (PSI < 90%) are less likely to be disease causing for TTN cardiac-related disorders (Roberts et al. 2015. PubMed ID: 25589632; Schafer et al. 2017. PubMed ID: 27869827; Akhtar et al. 2020. PubMed ID: 32964742). Many cases of recessive TTN-related myopathies in which the individual is compound heterozygous for two loss-of-function variants in TTN have also been reported (Oates et al. 2018. PubMed ID: 29691892; Ge et al. 2019. PubMed ID: 31053406; Rees et al. 2021. PubMed ID: 33449170). In summary, this variant is likely pathogenic for autosomal recessive TTN-related congenital titinopathies. However, it is uncertain if this variant would be causative for autosomal dominant TTN-related disorders.

Myofin, Folkhalsan Research Center
Classification: Pathogenic for Autosomal recessive titinopathy. Last evaluated: 2026-02-06. Review status: criteria provided, single submitter. Criteria: ACMG Guidelines, 2015. Collection method: research. Allele origin: germline. Affected: yes.
Comment: TTN loss-of-function is an established mechanism for autosomal recessive titinopathies. ACMG/AMP criteria applied: PVS1 (predicted loss of function), PM2_Supporting (absent/rare in population databases), and PP4_Supporting (highly consistent clinical phenotype). Overall classification: Pathogenic for recessive titinopathy.

Labcorp Genetics (formerly Invitae), Labcorp
Classification: Likely pathogenic for Dilated cardiomyopathy 1G; Autosomal recessive limb-girdle muscular dystrophy type 2J. Last evaluated: 2025-08-26. Review status: criteria provided, single submitter. Criteria: Invitae Variant Classification Sherloc (09022015). Collection method: clinical testing. Allele origin: germline.
Comment: This sequence change creates a premature translational stop signal (p.Arg10698*) in the TTN gene. While this is not anticipated to result in nonsense mediated decay, it is expected to create a truncated TTN protein. This variant is present in population databases (no rsID available, gnomAD 0.03%). This variant has not been reported in the literature in individuals affected with TTN-related conditions. ClinVar contains an entry for this variant (Variation ID: 845436). Algorithms developed to predict the effect of sequence changes on RNA splicing suggest that this variant may disrupt the consensus splice site. This variant is located in the I band of TTN (PMID: 25589632). Truncating variants in this region have been reported in individuals affected with autosomal recessive centronuclear myopathy (PMID: 23975875, internal data). Truncating variants in this region have also been identified in individuals affected with autosomal dominant dilated cardiomyopathy and/or cardio-related conditions (PMID: 27869827, 32964742, internal data). In summary, the currently available evidence indicates that the variant is pathogenic, but additional data are needed to prove that conclusively. Therefore, this variant has been classified as Likely Pathogenic.

Revvity Omics, Revvity
Classification: Uncertain significance. Last evaluated: 2025-04-17. Review status: criteria provided, single submitter. Criteria: ACMG Guidelines, 2015. Collection method: clinical testing. Allele origin: germline.

Cardiogenetics and Myogenetics Molecular and Cellular Functional Unit, Aphp Sorbonne University-Hopital Pitie Salpetriere
Classification: Likely pathogenic for Dilated cardiomyopathy 1G. Last evaluated: 2024-01-06. Review status: no assertion criteria provided. Collection method: clinical testing. Allele origin: germline. Affected: yes. Not counted in ClinVar's aggregate classification.

Literature cited by the submitters: DOI 10.1101/2025.07.17.25331122 (cited by Myofin, Folkhalsan Research Center); PubMed 25589632 (cited by Labcorp Genetics (formerly Invitae), Labcorp); PubMed 23975875 (cited by Labcorp Genetics (formerly Invitae), Labcorp); PubMed 27869827 (cited by Labcorp Genetics (formerly Invitae), Labcorp); PubMed 32964742 (cited by Labcorp Genetics (formerly Invitae), Labcorp).